The following is an entry in ClinVar:

ClinVar aggregate classification (germline): Uncertain significance (1 of 4 stars; one submission).

Conditions:
Holoprosencephaly sequence (HPE). Also called: Holoprosencephaly. Identifiers: Orphanet 2162, MedGen C0079541, MONDO:0016296, HP:0001360.

Allele frequency attached by ClinVar (database versions not stated): TOPMed below 0.00001; gnomAD 0.00001; gnomAD exomes 0.00001.
gnomAD v4.1: 4 of 1,612,710 alleles (0.00025%); highest among the groups gnomAD compares: Non-Finnish European, 0.00034%; no homozygotes.

Submission:

Labcorp Genetics (formerly Invitae), Labcorp
Classification: Uncertain significance for Holoprosencephaly sequence. Last evaluated: 2020-02-06. Review status: criteria provided, single submitter. Criteria: Invitae Variant Classification Sherloc (09022015). Collection method: clinical testing. Allele origin: germline.
Comment: In summary, the available evidence is currently insufficient to determine the role of this variant in disease. Therefore, it has been classified as a Variant of Uncertain Significance. Algorithms developed to predict the effect of missense changes on protein structure and function are either unavailable or do not agree on the potential impact of this missense change (SIFT: "Deleterious"; PolyPhen-2: "Probably Damaging"; Align-GVGD: "Class C0"). This variant has not been reported in the literature in individuals with FOXH1-related disease. This variant is not present in population databases (ExAC no frequency). This sequence change replaces proline with leucine at codon 335 of the FOXH1 protein (p.Pro335Leu). The proline residue is moderately conserved and there is a moderate physicochemical difference between proline and leucine.

NM_003923.3(FOXH1):c.1004C>T (p.Pro335Leu)

Gene: FOXH1 (forkhead box H1; minus strand). Cytogenetic location: 8q24.3.
Variant type: single nucleotide variant.
Coding change: c.1004C>T on transcript NM_003923.3 (MANE Select); coding-DNA position 1004, C replaced by T.
Protein change: p.Pro335Leu; replaces proline 335 with leucine.
Molecular consequence: missense variant.
Genome position (GRCh38, 1-based): chr8:144,474,332, G>A on the plus strand (C>T on the coding strand, the complement: FOXH1 is on the minus strand). VCF-style: chr8-144474332-G-A. GRCh37 (hg19) VCF-style: chr8-145699715-G-A.
Other names: short protein forms P335L.
Identifiers: ClinVar variation 664380 (VCV000664380.5), dbSNP rs1421316442, ClinGen allele CA372723094.
Genomic context (GRCh38, chr8:144,474,332, plus strand): 5'-CCAGGGGCCGCCAGGTCCCGAGGGTGGCTGACCCAAACGTCGTAGATGCTTTTGTTGGGT[G>A]GCACCCCTTGGAAGAGGGCGTCTAGATCGCAGAGCAGCCCTGGGGGCCCTCGGGTTTCAG-3'
Protein context (NP_003914.1, residues 325-345): CDLDALFQGV[Pro335Leu]PNKSIYDVWV